The following is an entry in ClinVar:

NM_015202.5(KATNIP):c.4310-2A>G

Gene: KATNIP (katanin interacting protein; plus strand). Cytogenetic location: 16p12.1.
Variant type: single nucleotide variant.
Coding change: c.4310-2A>G on transcript NM_015202.5 (MANE Select); the canonical splice acceptor site of the intron before coding-DNA position 4310, A replaced by G.
Molecular consequence: splice acceptor variant.
Genome position (GRCh38, 1-based): chr16:27,774,943, A>G. VCF-style: chr16-27774943-A-G. GRCh37 (hg19) VCF-style: chr16-27786264-A-G.
Identifiers: ClinVar variation 2782184 (VCV002782184.3), dbSNP rs760234960, ClinGen allele CA7978595.

ClinVar aggregate classification (germline): Likely pathogenic (1 of 4 stars; one submission).

Allele frequency attached by ClinVar (database versions not stated): TOPMed below 0.00001; ExAC 0.00002; gnomAD exomes 0.00002.
gnomAD v4.1: 23 of 1,613,810 alleles (0.0014%); highest among the groups gnomAD compares: Middle Eastern, 0.017%; no homozygotes.

Submission:

Labcorp Genetics (formerly Invitae), Labcorp
Classification: Likely pathogenic. Last evaluated: 2023-09-15. Review status: criteria provided, single submitter. Criteria: Invitae Variant Classification Sherloc (09022015). Collection method: clinical testing. Allele origin: germline.
Comment: In summary, the currently available evidence indicates that the variant is pathogenic, but additional data are needed to prove that conclusively. Therefore, this variant has been classified as Likely Pathogenic. Algorithms developed to predict the effect of sequence changes on RNA splicing suggest that this variant may disrupt the consensus splice site. This variant has not been reported in the literature in individuals affected with KIAA0556-related conditions. This variant is present in population databases (rs760234960, gnomAD 0.03%). This sequence change affects an acceptor splice site in intron 23 of the KIAA0556 gene. It is expected to disrupt RNA splicing. Variants that disrupt the donor or acceptor splice site typically lead to a loss of protein function (PMID: 16199547), and loss-of-function variants in KIAA0556 are known to be pathogenic (PMID: 26714646, 27245168).

Literature cited by the submitters: PubMed 16199547; PubMed 26714646; PubMed 27245168.